The following is an entry in ClinVar:

NM_015662.3(IFT172):c.1044G>A (p.Val348=)

Gene: IFT172 (intraflagellar transport 172; minus strand). Cytogenetic location: 2p23.3.
Variant type: single nucleotide variant.
Coding change: c.1044G>A on transcript NM_015662.3 (MANE Select); coding-DNA position 1044, G replaced by A.
Protein change: p.Val348=; no amino-acid change (valine 348 retained).
Molecular consequence: synonymous variant.
Genome position (GRCh38, 1-based): chr2:27,478,118, C>T on the plus strand (G>A on the coding strand, the complement: IFT172 is on the minus strand). VCF-style: chr2-27478118-C-T. GRCh37 (hg19) VCF-style: chr2-27700985-C-T.
Other names: c.1044G>A, p.Val348= (NM_001410739.1); c.1044G>A (NM_015662.2).
Identifiers: ClinVar variation 2933114 (VCV002933114.4), dbSNP rs748519553, ClinGen allele CA1580783.

ClinVar aggregate classification (germline): Likely benign. Review status: criteria provided, single submitter (1 of 4 stars). 2 submissions from 2 submitters: Likely benign (1). 1 of the submissions does not count toward it. Last evaluated 2025-04-28.

Conditions:
IFT172-related disorder. Also called: IFT172-related condition; IFT172-related disorders.
Retinitis pigmentosa 71 (RP71). Identifiers: Orphanet 791, MedGen C4225342, MONDO:0014618, OMIM 616394.
Short-rib thoracic dysplasia 10 with or without polydactyly (SRTD10). Identifiers: Orphanet 474, MedGen C3810175, MONDO:0014284, OMIM 615630.

Allele frequency attached by ClinVar (database versions not stated): TOPMed below 0.00001; ExAC 0.00001.
gnomAD v4.1: 4 of 1,614,154 alleles (0.00025%); highest among the groups gnomAD compares: South Asian, 0.0033%; no homozygotes.

Submissions (2):

Labcorp Genetics (formerly Invitae), Labcorp
Classification: Likely benign for Retinitis pigmentosa 71; Short-rib thoracic dysplasia 10 with or without polydactyly. Last evaluated: 2025-04-28. Review status: criteria provided, single submitter. Criteria: Invitae Variant Classification Sherloc (09022015). Collection method: clinical testing. Allele origin: germline.

PreventionGenetics, part of Exact Sciences
Classification: Likely benign for IFT172-related condition. Last evaluated: 2021-04-14. Review status: no assertion criteria provided. Collection method: clinical testing. Allele origin: germline. Not counted in ClinVar's aggregate classification.
Comment: This variant is classified as likely benign based on ACMG/AMP sequence variant interpretation guidelines (Richards et al. 2015 PMID: 25741868, with internal and published modifications).